The following is an entry in ClinVar:

NM_003031.4(SIAH1):c.-2-2971C>G

Gene: SIAH1 (siah E3 ubiquitin protein ligase 1; minus strand). Cytogenetic location: 16q12.1.
Variant type: single nucleotide variant.
Coding change: c.-2-2971C>G on transcript NM_003031.4 (MANE Select); 2971 bases into the intron before 2 bases upstream of the start codon, C replaced by G.
Molecular consequence: intron variant. On other transcripts: missense variant (1).
Genome position (GRCh38, 1-based): chr16:48,365,401, G>C on the plus strand (C>G on the coding strand, the complement: SIAH1 is on the minus strand). VCF-style: chr16-48365401-G-C. GRCh37 (hg19) VCF-style: chr16-48399312-G-C.
Other names: c.77C>G, p.Thr26Arg (NM_001006610.2); short protein forms T26R.
Identifiers: ClinVar variation 2446117 (VCV002446117.1), dbSNP rs2544519680, ClinGen allele CA396106876.

ClinVar aggregate classification (germline): Uncertain significance (1 of 4 stars; one submission).

Submission:

GeneDx
Classification: Uncertain significance. Last evaluated: 2022-09-21. Review status: criteria provided, single submitter. Criteria: GeneDx Variant Classification Process June 2021. Collection method: clinical testing. Allele origin: germline. Affected: yes.
Comment: Not observed at significant frequency in large population cohorts (gnomAD); In silico analysis supports that this missense variant does not alter protein structure/function; Has not been previously published as pathogenic or benign to our knowledge